The following is an entry in ClinVar:

ClinVar aggregate classification (germline): Uncertain significance (1 of 4 stars; one submission).

Submission:

Labcorp Genetics (formerly Invitae), Labcorp
Classification: Uncertain significance. Last evaluated: 2023-11-25. Review status: criteria provided, single submitter. Criteria: Invitae Variant Classification Sherloc (09022015). Collection method: clinical testing. Allele origin: germline.
Comment: This sequence change replaces alanine, which is neutral and non-polar, with serine, which is neutral and polar, at codon 3 of the RASA2 protein (p.Ala3Ser). Information on the frequency of this variant in the gnomAD database is not available, as this variant may be reported differently in the database. This variant has not been reported in the literature in individuals affected with RASA2-related conditions. Experimental studies and prediction algorithms are not available or were not evaluated, and the functional significance of this variant is currently unknown. In summary, the available evidence is currently insufficient to determine the role of this variant in disease. Therefore, it has been classified as a Variant of Uncertain Significance.

NM_006506.5(RASA2):c.6_7delinsAT (p.Ala3Ser)

Genes: RASA2 (RAS p21 protein activator 2; plus strand), LOC129937686 (ATAC-STARR-seq lymphoblastoid silent region 14777; plus strand). Cytogenetic location: 3q23.
Variant type: Indel.
Coding change: c.6_7delinsAT on transcript NM_006506.5 (MANE Select); coding-DNA positions 6 to 7, GG replaced by AT.
Protein change: p.Ala3Ser; replaces alanine 3 with serine.
Molecular consequence: missense variant.
Genome position (GRCh38, 1-based): chr3:141,487,089-141,487,090, GG replaced by AT. VCF-style: chr3-141487089-GG-AT. GRCh37 (hg19) VCF-style: chr3-141205931-GG-AT.
Other names: c.6_7delinsAT, p.Ala3Ser (NM_001303245.3, NM_001303246.3); short protein forms A3S.
Identifiers: ClinVar variation 2727324 (VCV002727324.3), dbSNP rs2478324651, ClinGen allele CA2697556894.